The following is an entry in ClinVar:

NM_000088.4(COL1A1):c.2996C>T (p.Pro999Leu)

Gene: COL1A1 (collagen type I alpha 1 chain; minus strand). Cytogenetic location: 17q21.33.
Variant type: single nucleotide variant.
Coding change: c.2996C>T on transcript NM_000088.4 (MANE Select); coding-DNA position 2996, C replaced by T.
Protein change: p.Pro999Leu; replaces proline 999 with leucine.
Molecular consequence: missense variant.
Genome position (GRCh38, 1-based): chr17:50,188,952, G>A on the plus strand (C>T on the coding strand, the complement: COL1A1 is on the minus strand). VCF-style: chr17-50188952-G-A. GRCh37 (hg19) VCF-style: chr17-48266313-G-A.
Other names: short protein forms P999L.
Identifiers: ClinVar variation 5020406 (VCV005020406.1).

ClinVar aggregate classification (germline): Uncertain significance (1 of 4 stars; one submission).

Submission:

Dasa
Classification: Uncertain significance. Last evaluated: 2026-06-09. Review status: criteria provided, single submitter. Criteria: DASA Assertion Criteria. Collection method: clinical testing. Allele origin: germline.
Comment: NM_000088.4(COL1A1):c.2996C>T (p.Pro999Leu) is a missense variant that results in the substitution of proline with leucine. This variant is rare in population databases. Computational prediction algorithms are consistent with a deleterious effect. The currently available literature and clinical evidence are not sufficient to establish a definitive association between this variant and the reported condition. Therefore, this variant is classified as a variant of uncertain significance.